The following is an entry in ClinVar:

ClinVar aggregate classification (germline): Uncertain significance (1 of 4 stars; one submission).

Conditions:
Tuberous sclerosis 2 (TSC2). Identifiers: Orphanet 805, MedGen C1860707, MONDO:0013199, OMIM 613254.

Submission:

Labcorp Genetics (formerly Invitae), Labcorp
Classification: Uncertain significance for Tuberous sclerosis 2. Last evaluated: 2024-04-29. Review status: criteria provided, single submitter. Criteria: Invitae Variant Classification Sherloc (09022015). Collection method: clinical testing. Allele origin: germline.
Comment: This sequence change falls in intron 5 of the TSC2 gene. It does not directly change the encoded amino acid sequence of the TSC2 protein. It affects a nucleotide within the consensus splice site. This variant is not present in population databases (gnomAD no frequency). This variant has not been reported in the literature in individuals affected with TSC2-related conditions. Variants that disrupt the consensus splice site are a relatively common cause of aberrant splicing (PMID: 17576681, 9536098). Algorithms developed to predict the effect of sequence changes on RNA splicing suggest that this variant is not likely to affect RNA splicing. In summary, the available evidence is currently insufficient to determine the role of this variant in disease. Therefore, it has been classified as a Variant of Uncertain Significance.

Literature cited by the submitters: PubMed 17576681; PubMed 9536098.

NM_000548.5(TSC2):c.481+4G>C

Gene: TSC2 (TSC complex subunit 2; plus strand). Cytogenetic location: 16p13.3.
Variant type: single nucleotide variant.
Coding change: c.481+4G>C on transcript NM_000548.5 (MANE Select); 4 bases into the intron after coding-DNA position 481, G replaced by C.
Molecular consequence: intron variant.
Genome position (GRCh38, 1-based): chr16:2,054,444, G>C. VCF-style: chr16-2054444-G-C. GRCh37 (hg19) VCF-style: chr16-2104445-G-C.
Other names: c.-1167+4G>C (NM_001406693.1); c.571+4G>C (NM_001406667.1, NM_001406668.1); c.-336+4G>C (NM_001406680.1, NM_001406683.1, NM_001406687.1); c.-951+4G>C (NM_001406689.1, NM_001406690.1, NM_001406692.1 and 2 more transcripts); c.-1127+4G>C (NM_001406698.1); c.481+4G>C (NM_001114382.3, NM_001406663.1, NM_001406664.1 and 8 more transcripts); c.-832+4G>C (NM_001406694.1, NM_001406695.1); c.-939+4G>C (NM_001406696.1); and 6 more.
Identifiers: ClinVar variation 3623650 (VCV003623650.2).